The following is an entry in ClinVar:

ClinVar aggregate classification (germline): Benign/Likely benign. Review status: criteria provided, multiple submitters, no conflicts (2 of 4 stars). 4 submissions from 4 submitters: Benign (1); Likely benign (2). 1 of the submissions does not count toward it. Last evaluated 2026-01-19.

Conditions:
SLC52A2-related disorder. Also called: SLC52A2-related condition.
Brown-Vialetto-van Laere syndrome 2. Also called: Riboflavin transporter deficiency type 2; SPINOCEREBELLAR ATAXIA WITH BLINDNESS AND DEAFNESS 2. Identifiers: Orphanet 572543, Orphanet 97229, MedGen C3553538, MONDO:0013867, OMIM 614707.
Inborn genetic diseases. Identifiers: MedGen C0950123, MeSH D030342.

Allele frequency attached by ClinVar (database versions not stated): ExAC 0.00064; 1000 Genomes Project 0.00220; TOPMed 0.00024; 1000 Genomes Project 30x 0.00219; gnomAD exomes 0.00013 and 0.00060; gnomAD 0.00018 and 0.00029.

Submissions (4):

Labcorp Genetics (formerly Invitae), Labcorp
Classification: Benign for Brown-Vialetto-van Laere syndrome 2. Last evaluated: 2026-01-19. Review status: criteria provided, single submitter. Criteria: Invitae Variant Classification Sherloc (09022015). Collection method: clinical testing. Allele origin: germline.

Ambry Genetics
Classification: Likely benign for Inborn genetic diseases. Last evaluated: 2019-11-01. Review status: criteria provided, single submitter. Criteria: Ambry Variant Classification Scheme 2023. Collection method: clinical testing. Allele origin: germline.

GeneDx
Classification: Likely benign. Last evaluated: 2016-02-19. Review status: criteria provided, single submitter. Criteria: GeneDx Variant Classification (06012015). Collection method: clinical testing. Allele origin: germline. Affected: yes.
Comment: This variant is considered likely benign or benign based on one or more of the following criteria: it is a conservative change, it occurs at a poorly conserved position in the protein, it is predicted to be benign by multiple in silico algorithms, and/or has population frequency not consistent with disease.

PreventionGenetics, part of Exact Sciences
Classification: Likely benign for SLC52A2-related condition. Last evaluated: 2019-02-20. Review status: no assertion criteria provided. Collection method: clinical testing. Allele origin: germline. Not counted in ClinVar's aggregate classification.
Comment: This variant is classified as likely benign based on ACMG/AMP sequence variant interpretation guidelines (Richards et al. 2015 PMID: 25741868, with internal and published modifications).

NM_001363118.2(SLC52A2):c.359T>C (p.Val120Ala)

Gene: SLC52A2 (solute carrier family 52 member 2; plus strand). Cytogenetic location: 8q24.3.
Variant type: single nucleotide variant.
Coding change: c.359T>C on transcript NM_001363118.2 (MANE Select); coding-DNA position 359, T replaced by C.
Protein change: p.Val120Ala; replaces valine 120 with alanine.
Molecular consequence: missense variant. On other transcripts: non-coding transcript variant (1), intron variant (1).
Genome position (GRCh38, 1-based): chr8:144,359,851, T>C. VCF-style: chr8-144359851-T-C. GRCh37 (hg19) VCF-style: chr8-145583511-T-C.
Other names: c.359T>C, p.Val120Ala (NM_001253815.2, NM_001253816.2, NM_001363120.2 and 2 more transcripts); c.131-264T>C (NM_001363122.2); c.359T>C (NM_001253816.1); short protein forms V120A.
Identifiers: ClinVar variation 383583 (VCV000383583.18), dbSNP rs74445699, ClinGen allele CA4938173.